The following is an entry in ClinVar:

ClinVar aggregate classification (germline): Uncertain significance (1 of 4 stars; one submission).

Conditions:
Cardiovascular phenotype. Identifiers: MedGen CN230736.

Allele frequency attached by ClinVar (database versions not stated): gnomAD exomes below 0.00001.
gnomAD v4.1: 1 of 1,611,032 alleles (0.000062%); highest among the groups gnomAD compares: Non-Finnish European, 0.000085%; no homozygotes.

Submission:

Ambry Genetics
Classification: Uncertain significance for Cardiovascular phenotype. Last evaluated: 2023-06-02. Review status: criteria provided, single submitter. Criteria: Ambry Variant Classification Scheme 2023. Collection method: clinical testing. Allele origin: germline.
Comment: The p.L207I variant (also known as c.619C>A), located in coding exon 5 of the CACNA1C gene, results from a C to A substitution at nucleotide position 619. The leucine at codon 207 is replaced by isoleucine, an amino acid with highly similar properties. This amino acid position is highly conserved in available vertebrate species. In addition, the in silico prediction for this alteration is inconclusive. Since supporting evidence is limited at this time, the clinical significance of this alteration remains unclear.

NM_000719.7(CACNA1C):c.619C>A (p.Leu207Ile)

Gene: CACNA1C (calcium voltage-gated channel subunit alpha1 C; plus strand). Cytogenetic location: 12p13.33.
Variant type: single nucleotide variant.
Coding change: c.619C>A on transcript NM_000719.7 (MANE Select); coding-DNA position 619, C replaced by A.
Protein change: p.Leu207Ile; replaces leucine 207 with isoleucine.
Molecular consequence: missense variant.
Genome position (GRCh38, 1-based): chr12:2,457,568, C>A. VCF-style: chr12-2457568-C-A. GRCh37 (hg19) VCF-style: chr12-2566734-C-A.
Other names: c.619C>A, p.Leu207Ile (NM_001129827.2, NM_001129829.2, NM_001129830.3 and 19 more transcripts); short protein forms L207I.
Identifiers: ClinVar variation 2566929 (VCV002566929.2), dbSNP rs2497850220, ClinGen allele CA383367621.
Genomic context (GRCh38, chr12:2,457,568, plus strand): 5'-CCCAGCTGGGCAAAAGAAAACCCAGTCCTGACAGTCCTTCTCTCTTTCCTCTCTTCTAGG[C>A]TTTTTAGTGCAATTTTAGAACAAGCAACCAAAGCAGATGGGGCAAACGCTCTCGGAGGGA-3'
Protein context (NP_000710.5, residues 197-217): LLDFIIVVVG[Leu207Ile]FSAILEQATK